The following is an entry in ClinVar:

ClinVar aggregate classification (germline): Likely pathogenic (1 of 4 stars; one submission).

Submission:

GeneDx
Classification: Likely pathogenic. Last evaluated: 2015-11-25. Review status: criteria provided, single submitter. Criteria: GeneDx Variant Classification (06012015). Collection method: clinical testing. Allele origin: germline. Affected: yes.
Comment: The c.10356-12G>A variant in the KTM2D gene has not been reported previously as a pathogenic variant nor as a benign variant, to our knowledge. This variant is predicted to create a new splice acceptor site upstream of the natural splice acceptor site in intron 35, and is expected to cause abnormal gene splicing. The c.10356-12G>A variant was not observed in approximately 6100 individuals of European and African American ancestry in the NHLBI Exome Sequencing Project, indicating it is not a common benign variant in these populations. We interpret c.10356-12G>A as a likely pathogenic variant , however the possibility it may be a rare benign variant cannot be excluded.

NM_003482.4(KMT2D):c.10356-12G>A

Gene: KMT2D (lysine methyltransferase 2D; minus strand). Cytogenetic location: 12q13.12.
Variant type: single nucleotide variant.
Coding change: c.10356-12G>A on transcript NM_003482.4 (MANE Select); 12 bases into the intron before coding-DNA position 10356, G replaced by A.
Molecular consequence: intron variant.
Genome position (GRCh38, 1-based): chr12:49,034,678, C>T on the plus strand (G>A on the coding strand, the complement: KMT2D is on the minus strand). VCF-style: chr12-49034678-C-T. GRCh37 (hg19) VCF-style: chr12-49428461-C-T.
Identifiers: ClinVar variation 432028 (VCV000432028.2), dbSNP rs1555189467, ClinGen allele CA645372912.
Genomic context (GRCh38, chr12:49,034,678, plus strand): 5'-ACTGCTAGGTCCCCCCGAGAGCCTCTGGGCTAGCAGAGACACTTGCTGTCTGGAGTCCAC[C>T]AAAGCACAGAAGATAAGTGTTGGCAATAAGAAAGTTGGAAAGCAAAGAGACGTGGGACAA-3'